The following is an entry in ClinVar:

NM_016507.4(CDK12):c.224A>C (p.Asp75Ala)

Genes: CDK12 (cyclin dependent kinase 12; plus strand), LOC126862553 (CDK7 strongly-dependent group 2 enhancer GRCh37_chr17:37618166-37619365; plus strand). Cytogenetic location: 17q12.
Variant type: single nucleotide variant.
Coding change: c.224A>C on transcript NM_016507.4 (MANE Select); coding-DNA position 224, A replaced by C.
Protein change: p.Asp75Ala; replaces aspartic acid 75 with alanine.
Molecular consequence: missense variant.
Genome position (GRCh38, 1-based): chr17:39,462,295, A>C. VCF-style: chr17-39462295-A-C. GRCh37 (hg19) VCF-style: chr17-37618548-A-C.
Other names: c.224A>C, p.Asp75Ala (NM_015083.4); short protein forms D75A.
Identifiers: ClinVar variation 3830644 (VCV003830644.1).

ClinVar aggregate classification (germline): Uncertain significance (1 of 4 stars; one submission).

Submission:

Ambry Genetics
Classification: Uncertain significance. Last evaluated: 2025-02-09. Review status: criteria provided, single submitter. Criteria: Ambry Variant Classification Scheme 2023. Collection method: clinical testing. Allele origin: germline.
Comment: The p.D75A variant (also known as c.224A>C), located in coding exon 1 of the CDK12 gene, results from an A to C substitution at nucleotide position 224. The aspartic acid at codon 75 is replaced by alanine, an amino acid with dissimilar properties. This amino acid position is conserved. In addition, this alteration is predicted to be tolerated by in silico analysis. Based on the available evidence, the clinical significance of this variant remains unclear.